The following is an entry in ClinVar:

ClinVar aggregate classification (germline): Uncertain significance (1 of 4 stars; one submission).

Submission:

GeneDx
Classification: Uncertain significance. Last evaluated: 2024-12-13. Review status: criteria provided, single submitter. Criteria: GeneDx Variant Classification Process June 2021. Collection method: clinical testing. Allele origin: germline. Affected: yes.
Comment: Not observed at significant frequency in large population cohorts (gnomAD); In-frame deletion of 2 amino acids and insertion of 11 different amino acids in a non-repeat region; In silico analysis indicates that this variant does not alter protein structure/function; Has not been previously published as pathogenic or benign to our knowledge

NM_004369.4(COL6A3):c.5719_5722delinsTCGAGATGCTCGAGAAGTTCCGGAACATGCG (p.Gln1907_Pro1908delinsSerArgCysSerArgSerSerGlyThrCysAla)

Gene: COL6A3 (collagen type VI alpha 3 chain; minus strand). Cytogenetic location: 2q37.3.
Variant type: Indel.
Coding change: c.5719_5722delinsTCGAGATGCTCGAGAAGTTCCGGAACATGCG on transcript NM_004369.4 (MANE Select); coding-DNA positions 5719 to 5722, the reference bases replaced by an inserted sequence.
Protein change: p.Gln1907_Pro1908delinsSerArgCysSerArgSerSerGlyThrCysAla.
Molecular consequence: inframe indel.
Genome position (GRCh38, 1-based): chr2:237,365,814-237,365,817, 4 bases replaced. GRCh37 (hg19): chr2:238,274,457-238,274,460.
Other names: c.5719_5722delCAGCinsTCGAGATGCTCGAGAAGTTCCGGAACATGCG, p.Gln1907_Pro1908delinsSerArgCysSerArgSerSerGlyThrCysAla (NM_004369.3); c.3898_3901delinsTCGAGATGCTCGAGAAGTTCCGGAACATGCG, p.Gln1300_Pro1301delinsSerArgCysSerArgSerSerGlyThrCysAla (NM_057166.5); c.5101_5104delinsTCGAGATGCTCGAGAAGTTCCGGAACATGCG, p.Gln1701_Pro1702delinsSerArgCysSerArgSerSerGlyThrCysAla (NM_057167.4).
Identifiers: ClinVar variation 3903110 (VCV003903110.1).